The following is an entry in ClinVar:

NM_022552.5(DNMT3A):c.764C>G (p.Ser255Cys)

Gene: DNMT3A (DNA methyltransferase 3 alpha; minus strand). Cytogenetic location: 2p23.3.
Variant type: single nucleotide variant.
Coding change: c.764C>G on transcript NM_022552.5 (MANE Select); coding-DNA position 764, C replaced by G.
Protein change: p.Ser255Cys; replaces serine 255 with cysteine.
Molecular consequence: missense variant. On other transcripts: non-coding transcript variant (1).
Genome position (GRCh38, 1-based): chr2:25,248,128, G>C on the plus strand (C>G on the coding strand, the complement: DNMT3A is on the minus strand). VCF-style: chr2-25248128-G-C. GRCh37 (hg19) VCF-style: chr2-25470997-G-C.
Other names: c.308C>G, p.Ser103Cys (NM_001320893.1); c.95C>G, p.Ser32Cys (NM_001375819.1); c.197C>G, p.Ser66Cys (NM_153759.3); c.764C>G, p.Ser255Cys (NM_175629.2); short protein forms S66C, S255C, S32C, S103C.
Identifiers: ClinVar variation 4013952 (VCV004013952.1).
Genomic context (GRCh38, chr2:25,248,128, plus strand): 5'-GTGGCATTCTTGTCCCCAGCATCGGACCCCACGGGCTCAGGCGTGGTAGCCACAGTGGGG[G>C]ATGCGGGGTCAGTGGGCTGCTGCACAGCAGGAGGGCTGGCCTCCTCCACCTTCTGAGACT-3'
Protein context (NP_072046.2, residues 245-265): PAVQQPTDPA[Ser255Cys]PTVATTPEPV

ClinVar aggregate classification (germline): Uncertain significance (1 of 4 stars; one submission).

Conditions:
Inborn genetic diseases. Identifiers: MedGen C0950123, MeSH D030342.

Submission:

Ambry Genetics
Classification: Uncertain significance for Inborn genetic diseases. Last evaluated: 2025-06-09. Review status: criteria provided, single submitter. Criteria: Ambry Variant Classification Scheme 2023. Collection method: clinical testing. Allele origin: germline.
Comment: The p.S255C variant (also known as c.764C>G), located in coding exon 6 of the DNMT3A gene, results from a C to G substitution at nucleotide position 764. The serine at codon 255 is replaced by cysteine, an amino acid with dissimilar properties. This amino acid position is conserved. In addition, this alteration is predicted to be deleterious by in silico analysis. Based on the available evidence, the clinical significance of this variant remains unclear.